The following is an entry in ClinVar:

ClinVar aggregate classification (germline): Uncertain significance. Review status: criteria provided, multiple submitters, no conflicts (2 of 4 stars). 2 submissions from 2 submitters: Uncertain significance (2). Last evaluated 2022-10-13.

Conditions:
Inborn genetic diseases. Identifiers: MedGen C0950123, MeSH D030342.
RFT1-congenital disorder of glycosylation (CDG1N). Also called: CDG In; Congenital disorder of glycosylation type In; RFT1-CDG. Identifiers: Orphanet 244310, MedGen C2677590, MONDO:0012783, OMIM 612015.

Allele frequency attached by ClinVar (database versions not stated): gnomAD 0.00001; TOPMed 0.00002; gnomAD exomes 0.00003 and 0.00008; ExAC 0.00007.
gnomAD v4.1: 21 of 1,613,942 alleles (0.0013%); highest among the groups gnomAD compares: Admixed American, 0.035%; no homozygotes.

Submissions (2):

Labcorp Genetics (formerly Invitae), Labcorp
Classification: Uncertain significance for RFT1-congenital disorder of glycosylation. Last evaluated: 2022-10-13. Review status: criteria provided, single submitter. Criteria: Invitae Variant Classification Sherloc (09022015). Collection method: clinical testing. Allele origin: germline.
Comment: This sequence change replaces alanine, which is neutral and non-polar, with threonine, which is neutral and polar, at codon 395 of the RFT1 protein (p.Ala395Thr). This variant is present in population databases (rs765115802, gnomAD 0.05%). This variant has not been reported in the literature in individuals affected with RFT1-related conditions. ClinVar contains an entry for this variant (Variation ID: 1366970). Advanced modeling of protein sequence and biophysical properties (such as structural, functional, and spatial information, amino acid conservation, physicochemical variation, residue mobility, and thermodynamic stability) performed at Invitae indicates that this missense variant is not expected to disrupt RFT1 protein function. In summary, the available evidence is currently insufficient to determine the role of this variant in disease. Therefore, it has been classified as a Variant of Uncertain Significance.

Ambry Genetics
Classification: Uncertain significance for Inborn genetic diseases. Last evaluated: 2021-06-30. Review status: criteria provided, single submitter. Criteria: Ambry Variant Classification Scheme 2023. Collection method: clinical testing. Allele origin: germline.

NM_052859.4(RFT1):c.1183G>A (p.Ala395Thr)

Gene: RFT1 (RFT1 glycolipid translocator homolog; minus strand). Cytogenetic location: 3p21.1.
Variant type: single nucleotide variant.
Coding change: c.1183G>A on transcript NM_052859.4 (MANE Select); coding-DNA position 1183, G replaced by A.
Protein change: p.Ala395Thr; replaces alanine 395 with threonine.
Molecular consequence: missense variant.
Genome position (GRCh38, 1-based): chr3:53,099,406, C>T on the plus strand (G>A on the coding strand, the complement: RFT1 is on the minus strand). VCF-style: chr3-53099406-C-T. GRCh37 (hg19) VCF-style: chr3-53133422-C-T.
Other names: c.1183G>A (NM_052859.3); short protein forms A395T.
Identifiers: ClinVar variation 1366970 (VCV001366970.4), dbSNP rs765115802, ClinGen allele CA2451220.